The following is an entry in ClinVar:

ClinVar aggregate classification (germline): Likely benign. Review status: criteria provided, multiple submitters, no conflicts (2 of 4 stars). 2 submissions from 2 submitters: Likely benign (2). Last evaluated 2026-03-08.

Conditions:
Aural atresia, congenital (CAA). Also called: AURAL ATRESIA, CONGENITAL, WITH HYPOSMIA. Identifiers: MedGen C1842937, MONDO:0011921, OMIM 607842.
TSHZ1-related disorder. Also called: TSHZ1-related condition.

gnomAD v4.1: 189 of 1,614,168 alleles (0.012%); highest among the groups gnomAD compares: African/African-American, 0.076%; no homozygotes.

Submissions (2):

PreventionGenetics, part of Exact Sciences
Classification: Likely benign for TSHZ1-related condition. Last evaluated: 2026-03-08. Review status: criteria provided, single submitter. Criteria: ACMG Guidelines, 2015. Collection method: clinical testing. Allele origin: germline.
Comment: This variant is classified as likely benign based on ACMG/AMP sequence variant interpretation guidelines (Richards et al. 2015 PMID: 25741868, with internal and published modifications).

Department of Pathology and Laboratory Medicine, Sinai Health System
Classification: Likely benign for Aural atresia, congenital. Last evaluated: 2021-11-22. Review status: criteria provided, single submitter. Criteria: ACMG Guidelines, 2015. Collection method: research. Allele origin: germline.

NM_001308210.2(TSHZ1):c.2048C>T (p.Thr683Met)

Gene: TSHZ1 (teashirt zinc finger homeobox 1; plus strand). Cytogenetic location: 18q22.3.
Variant type: single nucleotide variant.
Coding change: c.2048C>T on transcript NM_001308210.2 (MANE Select); coding-DNA position 2048, C replaced by T.
Protein change: p.Thr683Met; replaces threonine 683 with methionine.
Molecular consequence: missense variant.
Genome position (GRCh38, 1-based): chr18:75,287,455, C>T. VCF-style: chr18-75287455-C-T. GRCh37 (hg19) VCF-style: chr18-72999410-C-T.
Other names: c.1913C>T (NM_005786.5); c.1913C>T, p.Thr638Met (NM_005786.6); short protein forms T638M, T683M.
Identifiers: ClinVar variation 3892746 (VCV003892746.2).